The following is an entry in ClinVar:

NM_000019.4(ACAT1):c.947_949dup (p.Ala316dup)

Gene: ACAT1 (acetyl-CoA acetyltransferase 1; plus strand). Cytogenetic location: 11q22.3.
Variant type: Duplication.
Coding change: c.947_949dup on transcript NM_000019.4 (MANE Select); coding-DNA positions 947 to 949, 3 bases duplicated (CTG; older notation c.947_949dupCTG).
Protein change: p.Ala316dup; duplicates alanine 316.
Molecular consequence: inframe insertion.
Genome position (GRCh38, 1-based): chr11:108,143,989-108,143,991, CTG duplicated; duplicating any 3 consecutive bases within chr11:108,143,987-108,143,991 gives the same sequence; the c. name uses the placement nearest the transcript's 3' end. VCF-style (leftmost placement, unchanged base first): chr11-108143986-T-TTGC. GRCh37 (hg19) VCF-style: chr11-108014713-T-TTGC.
Identifiers: ClinVar variation 666514 (VCV000666514.2), dbSNP rs1591372596, ClinGen allele CA915947696.

ClinVar aggregate classification (germline): Conflicting classifications of pathogenicity. Review status: criteria provided, conflicting classifications (1 of 4 stars). 2 submissions from 2 submitters: Likely pathogenic (1); Uncertain significance (1). Last evaluated 2024-08-19.

Conditions:
Deficiency of acetyl-CoA acetyltransferase. Also called: 3-KETOTHIOLASE DEFICIENCY; 3-OXOTHIOLASE DEFICIENCY; Beta-ketothiolase deficiency; MITOCHONDRIAL ACETOACETYL-CoA THIOLASE DEFICIENCY. Identifiers: Orphanet 134, MedGen C1536500, MONDO:0008760, OMIM 203750. Disease mechanism: loss of function.

Submissions (2):

Natera, Inc.
Classification: Likely pathogenic for Alpha-methylacetoacetic aciduria. Last evaluated: 2024-08-19. Review status: criteria provided, single submitter. Criteria: Natera Variant Classification Schema (03/2026). Collection method: clinical testing. Allele origin: germline.
Comment: The c.947_949dup variant in ACAT1 is an in-frame insertion. This variant is rare in the general population with a frequency below the threshold expected for the associated phenotype(s). This variant has been observed in one or more individuals affected with the associated recessive disease, as either homozygous or compound heterozygous with a second variant (PMID: 28255778). This variant results in a change to the protein length while preserving reading frame, which may disrupt normal protein structure or function. Computational prediction algorithms indicate this variant is likely to affect gene or protein function. Given the available evidence, this variant is classified as Likely Pathogenic.

Department of Pediatrics, Gifu University
Classification: Uncertain significance for Deficiency of acetyl-CoA acetyltransferase. Last evaluated: 2019-05-05. Review status: criteria provided, single submitter. Criteria: ACMG Guidelines, 2015. Collection method: literature only. Allele origin: germline. Affected: yes. Observed: 2 variant alleles.

Literature cited by the submitters: PubMed 28255778 (cited by Natera, Inc.); PubMed 31268215 (cited by Department of Pediatrics, Gifu University).